The following is an entry in ClinVar:

ClinVar aggregate classification (germline): Uncertain significance (1 of 4 stars; one submission).

Conditions:
Epilepsy, X-linked 1, with variable learning disabilities and behavior disorders. Also called: X-linked epilepsy-learning disabilities-behavior disorders syndrome. Identifiers: Orphanet 85294, MedGen C5774177, MONDO:0010339, OMIM 300491.
Intellectual developmental disorder, X-linked 50. Also called: MRX50; Intellectual disability, X-linked 50. Identifiers: Orphanet 777, MedGen C1848087, MONDO:0010251, OMIM 300115.

Submission:

Genetics Department, Catlab
Classification: Uncertain significance for Intellectual developmental disorder, X-linked 50; Epilepsy, X-linked 1, with variable learning disabilities and behavior disorders. Last evaluated: 2025-01-31. Review status: criteria provided, single submitter. Criteria: ACMG Guidelines, 2015. Collection method: clinical testing. Allele origin: germline. Affected: yes. Observed: 1 variant allele.
Comment: The c.967T>C variant in the SYN1 gene is not present in the gnomAD database (PM2) and is a missense variant located in low tolerant region with a missense constraint area of 0.2-04 (PP2). With all the available evidence, the variant is classified as of uncertain significance.

NM_006950.3(SYN1):c.967T>C (p.Tyr323His)

Gene: SYN1 (synapsin I; minus strand). Cytogenetic location: Xp11.3.
Variant type: single nucleotide variant.
Coding change: c.967T>C on transcript NM_006950.3 (MANE Select); coding-DNA position 967, T replaced by C.
Protein change: p.Tyr323His; replaces tyrosine 323 with histidine.
Molecular consequence: missense variant.
Genome position (GRCh38, 1-based): chrX:47,576,511, A>G on the plus strand (T>C on the coding strand, the complement: SYN1 is on the minus strand). VCF-style: chrX-47576511-A-G. GRCh37 (hg19) VCF-style: chrX-47435910-A-G.
Other names: c.967T>C, p.Tyr323His (NM_133499.2); short protein forms Y323H.
Identifiers: ClinVar variation 3899869 (VCV003899869.1).